The following is an entry in ClinVar:

NM_015340.4(LARS2):c.1077del (p.Ile360fs)

Genes: LARS2 (leucyl-tRNA synthetase 2, mitochondrial; plus strand), LARS2-AS1 (LARS2 antisense RNA 1; minus strand). Cytogenetic location: 3p21.31.
Variant type: Deletion.
Coding change: c.1077del on transcript NM_015340.4 (MANE Select); coding-DNA position 1077, one base deleted (T; older notation c.1077delT).
Protein change: p.Ile360fs; shifts the reading frame from isoleucine 360.
Molecular consequence: frameshift variant.
Genome position (GRCh38, 1-based): chr3:45,485,750, T deleted; the last of 2 consecutive T bases (chr3:45,485,749-45,485,750); deleting either gives the same sequence. VCF-style (leftmost placement, unchanged base first): chr3-45485748-GT-G. GRCh37 (hg19) VCF-style: chr3-45527240-GT-G.
Other names: c.1077del, p.Ile360fs (NM_001368263.1); c.1077delT (NM_015340.3); short protein forms I360fs.
Identifiers: ClinVar variation 55873 (VCV000055873.5), dbSNP rs398123037, ClinGen allele CA143981.

ClinVar aggregate classification (germline): Pathogenic. Review status: criteria provided, single submitter (1 of 4 stars). 3 submissions from 3 submitters: Pathogenic (1). 2 of the submissions do not count toward it. Last evaluated 2019-05-06.

Conditions:
Perrault syndrome 4 (PRLTS4). Identifiers: Orphanet 2855, MedGen C3809105, MONDO:0014126, OMIM 615300.
Perrault syndrome. Also called: Gonadal dysgenesis with auditory dysfunction, autosomal recessive inheritance. Identifiers: Orphanet 2855, MedGen C0685838, MONDO:0017312.

Submissions (3):

Centre for Mendelian Genomics, University Medical Centre Ljubljana
Classification: Pathogenic for Perrault syndrome 4. Last evaluated: 2019-05-06. Review status: criteria provided, single submitter. Criteria: ACMG Guidelines, 2015. Collection method: clinical testing. Allele origin: unknown. Affected: yes.
Comment: This variant was classified as: Pathogenic. The following ACMG criteria were applied in classifying this variant: PVS1,PM2,PP5.

OMIM
Classification: Pathogenic for PERRAULT SYNDROME 4. Last evaluated: 2013-04-04. Review status: no assertion criteria provided. Collection method: literature only. Allele origin: germline. Not counted in ClinVar's aggregate classification.

GeneReviews
No classification provided. Condition: Perrault syndrome. Review status: no classification provided. Collection method: literature only. Allele origin: germline. Not counted in ClinVar's aggregate classification.

Literature cited by the submitters: PubMed 23541342 (cited by OMIM and GeneReviews).